The following is an entry in ClinVar:

ClinVar aggregate classification (germline): Uncertain significance. Review status: criteria provided, multiple submitters, no conflicts (2 of 4 stars). 2 submissions from 2 submitters: Uncertain significance (2). Last evaluated 2022-02-27.

Conditions:
Benign neonatal seizures. Also called: Benign familial neonatal seizures; Benign neonatal familial convulsions; Convulsions benign familial neonatal dominant form; Autosomal dominant form of benign neonatal seizures; Benign familial neonatal epilepsy. Identifiers: Orphanet 1949, MedGen C0220669, MONDO:0016027.

Allele frequency attached by ClinVar (database versions not stated): gnomAD exomes 0.00001.
gnomAD v4.1: 8 of 1,613,918 alleles (0.0005%); highest among the groups gnomAD compares: Non-Finnish European, 0.00068%; no homozygotes.

Submissions (2):

Labcorp Genetics (formerly Invitae), Labcorp
Classification: Uncertain significance for Benign neonatal seizures. Last evaluated: 2022-02-27. Review status: criteria provided, single submitter. Criteria: Invitae Variant Classification Sherloc (09022015). Collection method: clinical testing. Allele origin: germline.
Comment: This variant has not been reported in the literature in individuals affected with KCNQ3-related conditions. In summary, the available evidence is currently insufficient to determine the role of this variant in disease. Therefore, it has been classified as a Variant of Uncertain Significance. Advanced modeling of protein sequence and biophysical properties (such as structural, functional, and spatial information, amino acid conservation, physicochemical variation, residue mobility, and thermodynamic stability) performed at Invitae indicates that this missense variant is not expected to disrupt KCNQ3 protein function. This variant is not present in population databases (gnomAD no frequency). This sequence change replaces phenylalanine, which is neutral and non-polar, with leucine, which is neutral and non-polar, at codon 593 of the KCNQ3 protein (p.Phe593Leu).

Blueprint Genetics
Classification: Uncertain significance. Last evaluated: 2021-04-14. Review status: criteria provided, single submitter. Criteria: ACMG Guidelines, 2015. Collection method: clinical testing. Allele origin: germline.

NM_004519.4(KCNQ3):c.1777T>C (p.Phe593Leu)

Gene: KCNQ3 (potassium voltage-gated channel subfamily Q member 3; minus strand). Cytogenetic location: 8q24.22.
Variant type: single nucleotide variant.
Coding change: c.1777T>C on transcript NM_004519.4 (MANE Select); coding-DNA position 1777, T replaced by C.
Protein change: p.Phe593Leu; replaces phenylalanine 593 with leucine.
Molecular consequence: missense variant.
Genome position (GRCh38, 1-based): chr8:132,134,312, A>G on the plus strand (T>C on the coding strand, the complement: KCNQ3 is on the minus strand). VCF-style: chr8-132134312-A-G. GRCh37 (hg19) VCF-style: chr8-133146559-A-G.
Other names: c.1417T>C, p.Phe473Leu (NM_001204824.2); short protein forms F593L, F473L.
Identifiers: ClinVar variation 1907217 (VCV001907217.6), dbSNP rs1262795143, ClinGen allele CA372218075.
Genomic context (GRCh38, chr8:132,134,312, plus strand): 5'-GCACCCCTGGCCCATCAGTCCATGTCCACTGGCCCCACCTGGGAGATTGCTGGGATGGGA[A>G]GGTGAATGCTGACCCTTTCTGAGACTTCTTGTGTTTTGGCGTGGAGGGAGGTCCAGGGGT-3'
Protein context (NP_004510.1, residues 583-603): KKSQKGSAFT[Phe593Leu]PSQQSPRNEP